The following is an entry in ClinVar:

NM_024649.5(BBS1):c.182del (p.Pro61fs)

Gene: BBS1 (Bardet-Biedl syndrome 1; plus strand). Cytogenetic location: 11q13.2.
Variant type: Deletion.
Coding change: c.182del on transcript NM_024649.5 (MANE Select); coding-DNA position 182, one base deleted (C; older notation c.182delC).
Protein change: p.Pro61fs; shifts the reading frame from proline 61.
Molecular consequence: frameshift variant.
Genome position (GRCh38, 1-based): chr11:66,514,428, C deleted; the last of 3 consecutive C bases (chr11:66,514,426-66,514,428); deleting any one gives the same sequence. VCF-style (leftmost placement, unchanged base first): chr11-66514425-GC-G. GRCh37 (hg19) VCF-style: chr11-66281896-GC-G.
Other names: short protein forms P61fs.
Identifiers: ClinVar variation 371100 (VCV000371100.5), dbSNP rs1057517007, ClinGen allele CA16041520.

ClinVar aggregate classification (germline): Pathogenic/Likely pathogenic. Review status: criteria provided, multiple submitters, no conflicts (2 of 4 stars). 3 submissions from 3 submitters: Pathogenic (1); Likely pathogenic (1). 1 of the submissions does not count toward it. Last evaluated 2025-05-17.

Conditions:
Bardet-Biedl syndrome (BBS). Identifiers: Orphanet 110, MedGen C0752166, MONDO:0015229.
Bardet-Biedl syndrome 1 (BBS1). Identifiers: MedGen C2936862, MONDO:0008854, OMIM 209900. Disease mechanism: loss of function.

Submissions (3):

Labcorp Genetics (formerly Invitae), Labcorp
Classification: Pathogenic for Bardet-Biedl syndrome. Last evaluated: 2025-05-17. Review status: criteria provided, single submitter. Criteria: Invitae Variant Classification Sherloc (09022015). Collection method: clinical testing. Allele origin: germline.
Comment: This sequence change creates a premature translational stop signal (p.Pro61Leufs*8) in the BBS1 gene. It is expected to result in an absent or disrupted protein product. Loss-of-function variants in BBS1 are known to be pathogenic (PMID: 12118255, 21520335, 27032803). This variant is not present in population databases (gnomAD no frequency). This variant has not been reported in the literature in individuals affected with BBS1-related conditions. ClinVar contains an entry for this variant (Variation ID: 371100). For these reasons, this variant has been classified as Pathogenic.

Fulgent Genetics
Classification: Likely pathogenic for Bardet-Biedl syndrome 1. Last evaluated: 2024-04-03. Review status: criteria provided, single submitter. Criteria: ACMG Guidelines, 2015. Collection method: clinical testing. Allele origin: germline.

Counsyl
Classification: Likely pathogenic for Bardet-Biedl syndrome 1. Last evaluated: 2016-06-29. Review status: no assertion criteria provided. Collection method: clinical testing. Allele origin: unknown. Not counted in ClinVar's aggregate classification.

Literature cited by the submitters: PubMed 12118255 (cited by Labcorp Genetics (formerly Invitae), Labcorp); PubMed 21520335 (cited by Labcorp Genetics (formerly Invitae), Labcorp); PubMed 27032803 (cited by Labcorp Genetics (formerly Invitae), Labcorp).